The following is an entry in ClinVar:

ClinVar aggregate classification (germline): Uncertain significance (1 of 4 stars; one submission).

Conditions:
Spermatogenic failure 18. Identifiers: MedGen C4539783, MONDO:0054615, OMIM 617576.
Ciliary dyskinesia, primary, 37 (CILD37). Also called: CILIARY DYSKINESIA, PRIMARY, 37, WITH OR WITHOUT SITUS INVERSUS. Identifiers: MedGen C4539798, MONDO:0033204, OMIM 617577.

Allele frequency attached by ClinVar (database versions not stated): gnomAD exomes 0.00001 and 0.00002; ExAC 0.00004; ESP Exome Variant Server 0.00008; gnomAD 0.00009 and 0.00011; TOPMed 0.00011; 1000 Genomes Project 30x 0.00016; 1000 Genomes Project 0.00020.
gnomAD v4.1: 36 of 1,614,016 alleles (0.0022%); highest among the groups gnomAD compares: African/African-American, 0.045%; no homozygotes.

Submission:

Labcorp Genetics (formerly Invitae), Labcorp
Classification: Uncertain significance for Ciliary dyskinesia, primary, 37; Spermatogenic failure 18. Last evaluated: 2021-12-08. Review status: criteria provided, single submitter. Criteria: Invitae Variant Classification Sherloc (09022015). Collection method: clinical testing. Allele origin: germline.
Comment: In summary, the available evidence is currently insufficient to determine the role of this variant in disease. Therefore, it has been classified as a Variant of Uncertain Significance. Algorithms developed to predict the effect of missense changes on protein structure and function are either unavailable or do not agree on the potential impact of this missense change (SIFT: "Deleterious"; PolyPhen-2: "Probably Damaging"; Align-GVGD: "Class C0"). ClinVar contains an entry for this variant (Variation ID: 641860). This variant has not been reported in the literature in individuals affected with DNAH1-related conditions. This variant is present in population databases (rs377018837, gnomAD 0.03%). This sequence change replaces tyrosine, which is neutral and polar, with histidine, which is basic and polar, at codon 1711 of the DNAH1 protein (p.Tyr1711His).

NM_015512.5(DNAH1):c.5131T>C (p.Tyr1711His)

Gene: DNAH1 (dynein axonemal heavy chain 1; plus strand). Cytogenetic location: 3p21.1.
Variant type: single nucleotide variant.
Coding change: c.5131T>C on transcript NM_015512.5 (MANE Select); coding-DNA position 5131, T replaced by C.
Protein change: p.Tyr1711His; replaces tyrosine 1711 with histidine.
Molecular consequence: missense variant.
Genome position (GRCh38, 1-based): chr3:52,363,031, T>C. VCF-style: chr3-52363031-T-C. GRCh37 (hg19) VCF-style: chr3-52397047-T-C.
Other names: short protein forms Y1711H.
Identifiers: ClinVar variation 641860 (VCV000641860.4), dbSNP rs377018837, ClinGen allele CA2434109.
Genomic context (GRCh38, chr3:52,363,031, plus strand): 5'-TCACATGTGCACTGTGTGTCCCAGGCGCTCTTCCGACCCGTGGCCATGATGGTTCCAGAT[T>C]ACGCCATGATCACTGAGATCTCCCTCTATTCCTTTGGCTTTAATGAGGCCAGTGTGCTGG-3'
Protein context (NP_056327.4, residues 1701-1721): FRPVAMMVPD[Tyr1711His]AMITEISLYS